The following is an entry in ClinVar:

ClinVar aggregate classification (germline): Uncertain significance (1 of 4 stars; one submission).

Conditions:
Inborn genetic diseases. Identifiers: MedGen C0950123, MeSH D030342.

gnomAD v4.1: 1 of 1,614,070 alleles (0.000062%); highest among the groups gnomAD compares: Non-Finnish European, 0.000085%; no homozygotes.

Submission:

Ambry Genetics
Classification: Uncertain significance for Inborn genetic diseases. Last evaluated: 2022-03-07. Review status: criteria provided, single submitter. Criteria: Ambry Variant Classification Scheme 2023. Collection method: clinical testing. Allele origin: germline.
Comment: The p.A660V variant (also known as c.1979C>T), located in coding exon 21 of the ERCC2 gene, results from a C to T substitution at nucleotide position 1979. The alanine at codon 660 is replaced by valine, an amino acid with similar properties. This amino acid position is conserved. In addition, this alteration is predicted to be deleterious by in silico analysis. Since supporting evidence is limited at this time, the clinical significance of this alteration remains unclear.

NM_000400.4(ERCC2):c.1979C>T (p.Ala660Val)

Gene: ERCC2 (ERCC excision repair 2, TFIIH core complex helicase subunit; minus strand). Cytogenetic location: 19q13.32.
Variant type: single nucleotide variant.
Coding change: c.1979C>T on transcript NM_000400.4 (MANE Select); coding-DNA position 1979, C replaced by T.
Protein change: p.Ala660Val; replaces alanine 660 with valine.
Molecular consequence: missense variant.
Genome position (GRCh38, 1-based): chr19:45,352,573, G>A on the plus strand (C>T on the coding strand, the complement: ERCC2 is on the minus strand). VCF-style: chr19-45352573-G-A. GRCh37 (hg19) VCF-style: chr19-45855831-G-A.
Other names: short protein forms A660V.
Identifiers: ClinVar variation 1783764 (VCV001783764.2), dbSNP rs747646421, ClinGen allele CA308950795.
Genomic context (GRCh38, chr19:45,352,573, plus strand): 5'-GCAAAGACCATGAGGCCGTAGTCCGTCTTGCCCCTGATGGCCCGACCCACACACTGGGCC[G>A]CGTGGCGCATGGCATCGAAGGTAAGAAAGTCATTCTCACGAATCTGGAACTGGTCCCGCA-3'
Protein context (NP_000391.1, residues 650-670): DFLTFDAMRH[Ala660Val]AQCVGRAIRG